The following is an entry in ClinVar:

NM_001082971.2(DDC):c.623C>A (p.Ala208Asp)

Gene: DDC (dopa decarboxylase; minus strand). Cytogenetic location: 7p12.1.
Variant type: single nucleotide variant.
Coding change: c.623C>A on transcript NM_001082971.2 (MANE Select); coding-DNA position 623, C replaced by A.
Protein change: p.Ala208Asp; replaces alanine 208 with aspartic acid.
Molecular consequence: missense variant. On other transcripts: intron variant (2).
Genome position (GRCh38, 1-based): chr7:50,528,228, G>T on the plus strand (C>A on the coding strand, the complement: DDC is on the minus strand). VCF-style: chr7-50528228-G-T. GRCh37 (hg19) VCF-style: chr7-50595926-G-T.
Other names: c.623C>A, p.Ala208Asp (NM_000790.4, NM_001242890.2); c.509C>A, p.Ala170Asp (NM_001242886.2); c.389C>A, p.Ala130Asp (NM_001242888.2); c.435+9632C>A (NM_001242889.2); c.570+980C>A (NM_001242887.2); short protein forms A130D, A170D, A208D.
Identifiers: ClinVar variation 1384121 (VCV001384121.6), dbSNP rs1166528896, ClinGen allele CA367526032.
Genomic context (GRCh38, chr7:50,528,228, plus strand): 5'-CTCTCCAGGGCTTCCTGCAGGGCAGACGCACGCATGGCGAAGTTGCCATCTGAGGGGATG[G>T]CTTTTAATTTCACTCCACCAATTAACCCAGCTCTTTCCACTGAGGAGTGTGCCTGGAAAG-3'
Protein context (NP_001076440.2, residues 198-218): AGLIGGVKLK[Ala208Asp]IPSDGNFAMR

ClinVar aggregate classification (germline): Uncertain significance (1 of 4 stars; one submission).

Conditions:
Deficiency of aromatic-L-amino-acid decarboxylase. Also called: Aromatic amino acid decarboxylase deficiency; Aromatic L-Amino Acid Decarboxylase Deficiency; AADC DEFICIENCY; DDC DEFICIENCY; DOPA DECARBOXYLASE DEFICIENCY. Identifiers: Orphanet 35708, MedGen C1291564, MONDO:0012084, OMIM 608643.

Submission:

Labcorp Genetics (formerly Invitae), Labcorp
Classification: Uncertain significance for Deficiency of aromatic-L-amino-acid decarboxylase. Last evaluated: 2022-06-27. Review status: criteria provided, single submitter. Criteria: Invitae Variant Classification Sherloc (09022015). Collection method: clinical testing. Allele origin: germline.
Comment: In summary, the available evidence is currently insufficient to determine the role of this variant in disease. Therefore, it has been classified as a Variant of Uncertain Significance. Algorithms developed to predict the effect of missense changes on protein structure and function are either unavailable or do not agree on the potential impact of this missense change (SIFT: "Deleterious"; PolyPhen-2: "Benign"; Align-GVGD: "Class C0"). This variant has not been reported in the literature in individuals affected with DDC-related conditions. This variant is not present in population databases (gnomAD no frequency). This sequence change replaces alanine, which is neutral and non-polar, with aspartic acid, which is acidic and polar, at codon 208 of the DDC protein (p.Ala208Asp).